The following is an entry in ClinVar:

ClinVar aggregate classification (germline): Likely benign. Review status: criteria provided, multiple submitters, no conflicts (2 of 4 stars). 2 submissions from 2 submitters: Likely benign (2). Last evaluated 2024-03-16.

Allele frequency attached by ClinVar (database versions not stated): gnomAD exomes 0.00001; ExAC 0.00002; gnomAD 0.00006 and 0.00007; TOPMed 0.00009; ESP Exome Variant Server 0.00015.
gnomAD v4.1: 21 of 1,612,082 alleles (0.0013%); highest among the groups gnomAD compares: African/African-American, 0.025%; no homozygotes.

Submissions (2):

Labcorp Genetics (formerly Invitae), Labcorp
Classification: Likely benign. Last evaluated: 2024-03-16. Review status: criteria provided, single submitter. Criteria: Invitae Variant Classification Sherloc (09022015). Collection method: clinical testing. Allele origin: germline.

GeneDx
Classification: Likely benign. Last evaluated: 2016-03-22. Review status: criteria provided, single submitter. Criteria: GeneDx Variant Classification (06012015). Collection method: clinical testing. Allele origin: germline. Affected: yes.
Comment: This variant is considered likely benign or benign based on one or more of the following criteria: it is a conservative change, it occurs at a poorly conserved position in the protein, it is predicted to be benign by multiple in silico algorithms, and/or has population frequency not consistent with disease.

NM_018060.4(IARS2):c.636C>T (p.Tyr212=)

Gene: IARS2 (isoleucyl-tRNA synthetase 2, mitochondrial; plus strand). Cytogenetic location: 1q41.
Variant type: single nucleotide variant.
Coding change: c.636C>T on transcript NM_018060.4 (MANE Select); coding-DNA position 636, C replaced by T.
Protein change: p.Tyr212=; no amino-acid change (tyrosine 212 retained).
Molecular consequence: synonymous variant.
Genome position (GRCh38, 1-based): chr1:220,102,214, C>T. VCF-style: chr1-220102214-C-T. GRCh37 (hg19) VCF-style: chr1-220275556-C-T.
Identifiers: ClinVar variation 384276 (VCV000384276.4), dbSNP rs141996928, ClinGen allele CA1401171.